The following is an entry in ClinVar:

NM_000368.5(TSC1):c.996C>T (p.Ser332=)

Gene: TSC1 (TSC complex subunit 1; minus strand). Cytogenetic location: 9q34.13.
Variant type: single nucleotide variant.
Coding change: c.996C>T on transcript NM_000368.5 (MANE Select); coding-DNA position 996, C replaced by T.
Protein change: p.Ser332=; no amino-acid change (serine 332 retained).
Molecular consequence: synonymous variant.
Genome position (GRCh38, 1-based): chr9:132,911,486, G>A on the plus strand (C>T on the coding strand, the complement: TSC1 is on the minus strand). VCF-style: chr9-132911486-G-A. GRCh37 (hg19) VCF-style: chr9-135786873-G-A.
Other names: c.996C>T, p.Ser332= (NM_001162426.2); c.843C>T, p.Ser281= (NM_001162427.2); c.633C>T, p.Ser211= (NM_001362177.2).
Identifiers: ClinVar variation 760838 (VCV000760838.13), dbSNP rs1588324281, ClinGen allele CA467593454.

ClinVar aggregate classification (germline): Benign/Likely benign. Review status: criteria provided, multiple submitters, no conflicts (2 of 4 stars). 3 submissions from 3 submitters: Benign (1); Likely benign (2). Last evaluated 2025-04-09.

Conditions:
Hereditary cancer-predisposing syndrome. Also called: Tumor predisposition; Hereditary Cancer Syndrome; Neoplastic Syndromes, Hereditary; Hereditary neoplastic syndrome. Identifiers: Orphanet 140162, MedGen C0027672, MeSH D009386, MONDO:0015356.
Tuberous sclerosis 1 (TSC1). Identifiers: Orphanet 805, MedGen C1854465, MONDO:0008612, OMIM 191100.

Submissions (3):

Myriad Genetics, Inc.
Classification: Benign for Tuberous sclerosis 1. Last evaluated: 2025-04-09. Review status: criteria provided, single submitter. Criteria: Myriad Autosomal Dominant, Autosomal Recessive and X-Linked Classification Criteria (2023). Collection method: clinical testing. Allele origin: unknown.
Comment: This variant is considered benign. This variant is a silent/synonymous amino acid change and it is not expected to impact splicing.

Labcorp Genetics (formerly Invitae), Labcorp
Classification: Likely benign for Tuberous sclerosis 1. Last evaluated: 2023-04-09. Review status: criteria provided, single submitter. Criteria: Invitae Variant Classification Sherloc (09022015). Collection method: clinical testing. Allele origin: germline.

Ambry Genetics
Classification: Likely benign for Hereditary cancer-predisposing syndrome. Last evaluated: 2016-03-01. Review status: criteria provided, single submitter. Criteria: Ambry Variant Classification Scheme 2023. Collection method: clinical testing. Allele origin: germline.